The following is an entry in ClinVar:

ClinVar aggregate classification (germline): Likely pathogenic. Review status: criteria provided, single submitter (1 of 4 stars). 3 submissions from 3 submitters: Likely pathogenic (1). 2 of the submissions do not count toward it. Last evaluated 2025-09-16.

Conditions:
Charcot-Marie-Tooth disease. Also called: Charcot-Marie-Tooth Neuropathy; Charcot-Marie-Tooth Hereditary Neuropathy. Identifiers: Orphanet 166, MedGen C0007959, MONDO:0015626.
Charcot-Marie-Tooth disease type 4A. Also called: Charcot-Marie-Tooth disease, demyelinating, autosomal recessive, type 4a. Identifiers: Orphanet 99948, MedGen C1859198, MONDO:0008961, OMIM 214400.
Charcot-Marie-Tooth disease axonal type 2K (CMT2K). Also called: Charcot-Marie-Tooth disease type 2K; CHARCOT-MARIE-TOOTH DISEASE, AXONAL, AUTOSOMAL RECESSIVE, TYPE 2K; CHARCOT-MARIE-TOOTH NEUROPATHY, AXONAL, TYPE 2K. Identifiers: Orphanet 101097, Orphanet 99944, MedGen C1842983, MONDO:0011916, OMIM 607831.

Submissions (3):

3billion
Classification: Likely pathogenic for Charcot-Marie-Tooth disease type 4A. Last evaluated: 2025-09-16. Review status: criteria provided, single submitter. Criteria: ACMG Guidelines, 2015. Collection method: clinical testing. Allele origin: germline. Affected: yes.
Comment: The variant is not observed in the gnomAD v4.1.0 dataset. Predicted Consequence/Location: Missense variant In silico tool predictions suggest damaging effect of the variant on gene or gene product [REVEL: 0.94 (>=0.6, sensitivity 0.68 and specificity 0.92)]. The same nucleotide change resulting in the same amino acid change has been previously reported to be associated with GDAP1-related disorder (PMID: 18991200).The variant has been reported to be in trans with a pathogenic variant as either compound heterozygous or homozygous in at least one similarly affected unrelated individual (PMID: 18991200). The variant has been reported to co-segregate with the disease in at least one similarly affected relative/individual in the same family or similarly affected unrelated families (PMID: 18991200). Therefore, this variant is classified as Likely pathogenic according to the recommendation of ACMG/AMP guideline.

Inherited Neuropathy Consortium Ii, University Of Miami
Classification: Uncertain significance for Charcot-Marie-Tooth disease axonal type 2K. Last evaluated: 2016-01-06. Review status: no assertion criteria provided. Collection method: literature only. Allele origin: germline. Affected: yes. Not counted in ClinVar's aggregate classification.

Inherited Neuropathy Consortium
Classification: Uncertain significance for Charcot-Marie-Tooth disease. Review status: no assertion criteria provided. Collection method: literature only. Allele origin: germline. Affected: yes. Not counted in ClinVar's aggregate classification.

Literature cited by the submitters: PubMed 18991200 (cited by 3 submitters).

NM_018972.4(GDAP1):c.836A>G (p.Tyr279Cys)

Gene: GDAP1 (ganglioside induced differentiation associated protein 1; plus strand). Cytogenetic location: 8q21.11.
Variant type: single nucleotide variant.
Coding change: c.836A>G on transcript NM_018972.4 (MANE Select); coding-DNA position 836, A replaced by G.
Protein change: p.Tyr279Cys; replaces tyrosine 279 with cysteine.
Molecular consequence: missense variant. On other transcripts: intron variant (1).
Genome position (GRCh38, 1-based): chr8:74,364,126, A>G. VCF-style: chr8-74364126-A-G. GRCh37 (hg19) VCF-style: chr8-75276361-A-G.
Other names: c.632A>G, p.Tyr211Cys (NM_001040875.4); c.509A>G, p.Tyr170Cys (NM_001362929.2, NM_001362932.2); c.662A>G, p.Tyr221Cys (NM_001362930.2); c.694+1073A>G (NM_001362931.2); short protein forms Y279C, Y170C, Y211C, Y221C.
Identifiers: ClinVar variation 637120 (VCV000637120.3), dbSNP rs1472098057, ClinGen allele CA371550358.